The following is an entry in ClinVar:

ClinVar aggregate classification (germline): Pathogenic (1 of 4 stars; one submission).

Conditions:
Asphyxiating thoracic dystrophy 3. Also called: SHORT-RIB THORACIC DYSPLASIA 3 WITH OR WITHOUT POLYDACTYLY; POLYDACTYLY WITH NEONATAL CHONDRODYSTROPHY, TYPE I; SHORT-RIB THORACIC DYSPLASIA 3/6 WITH POLYDACTYLY, DIGENIC; Short rib polydactyly syndrome 2B; Saldino-Noonan Syndrome. Identifiers: Orphanet 474, Orphanet 93269, Orphanet 93270, Orphanet 93271, MedGen C0036069, MONDO:0013127, OMIM 613091.

Submission:

Myriad Genetics, Inc.
Classification: Pathogenic for Asphyxiating thoracic dystrophy 3. Last evaluated: 2026-01-16. Review status: criteria provided, single submitter. Criteria: Myriad Autosomal Dominant, Autosomal Recessive and X-Linked Classification Criteria (2023). Collection method: clinical testing. Allele origin: unknown.
Comment: NM_001377.2(DYNC2H1):c.12498_12499dupAA(T4167Kfs*36) is expected to be pathogenic in the context of DYNC2H1-related disorders. This variant is predicted to lead to an abnormal or absent protein product due to the creation of a premature termination codon in DYNC2H1, a gene where loss-of-function variants are known to be pathogenic. Please note: this variant was assessed in the context of healthy population screening.

NM_001377.3(DYNC2H1):c.12498_12499dup (p.Thr4167fs)

Gene: DYNC2H1 (dynein cytoplasmic 2 heavy chain 1; plus strand). Cytogenetic location: 11q22.3.
Variant type: Duplication.
Coding change: c.12498_12499dup on transcript NM_001377.3 (MANE Select); coding-DNA positions 12498 to 12499, 2 bases duplicated (AA; older notation c.12498_12499dupAA).
Protein change: p.Thr4167fs; shifts the reading frame from threonine 4167.
Molecular consequence: frameshift variant.
Genome position (GRCh38, 1-based): chr11:103,455,227-103,455,228, AA duplicated; duplicating any 2 consecutive bases within chr11:103,455,226-103,455,228 gives the same sequence; the c. name uses the placement nearest the transcript's 3' end. VCF-style (leftmost placement, unchanged base first): chr11-103455225-G-GAA. GRCh37 (hg19) VCF-style: chr11-103325953-G-GAA.
Other names: c.12519_12520dup, p.Thr4174fs (NM_001080463.2); short protein forms T4167fs, T4174fs.
Identifiers: ClinVar variation 5015426 (VCV005015426.1).